The following is an entry in ClinVar:

ClinVar aggregate classification (germline): Likely pathogenic (1 of 4 stars; one submission).

Conditions:
Early-infantile DEE. Also called: Early infantile epileptic encephalopathy; Ohtahara syndrome; Early infantile epileptic encephalopathy with suppression bursts. Identifiers: Orphanet 1934, MedGen C0393706, MONDO:0800491.

Submission:

Labcorp Genetics (formerly Invitae), Labcorp
Classification: Likely pathogenic for Early-infantile DEE. Last evaluated: 2024-04-29. Review status: criteria provided, single submitter. Criteria: Invitae Variant Classification Sherloc (09022015). Collection method: clinical testing. Allele origin: germline.
Comment: This sequence change replaces aspartic acid, which is acidic and polar, with alanine, which is neutral and non-polar, at codon 79 of the SCN1A protein (p.Asp79Ala). This variant is not present in population databases (gnomAD no frequency). This variant has not been reported in the literature in individuals affected with SCN1A-related conditions. Advanced modeling of protein sequence and biophysical properties (such as structural, functional, and spatial information, amino acid conservation, physicochemical variation, residue mobility, and thermodynamic stability) performed at Invitae indicates that this missense variant is expected to disrupt SCN1A protein function with a positive predictive value of 95%. This variant disrupts the p.Asp79 amino acid residue in SCN1A. Other variant(s) that disrupt this residue have been determined to be pathogenic (Invitae). This suggests that this residue is clinically significant, and that variants that disrupt this residue are likely to be disease-causing. In summary, the currently available evidence indicates that the variant is pathogenic, but additional data are needed to prove that conclusively. Therefore, this variant has been classified as Likely Pathogenic.

NM_001165963.4(SCN1A):c.236A>C (p.Asp79Ala)

Gene: SCN1A (sodium voltage-gated channel alpha subunit 1; minus strand). Cytogenetic location: 2q24.3.
Variant type: single nucleotide variant.
Coding change: c.236A>C on transcript NM_001165963.4 (MANE Select); coding-DNA position 236, A replaced by C.
Protein change: p.Asp79Ala; replaces aspartic acid 79 with alanine.
Molecular consequence: missense variant. On other transcripts: 5 prime UTR variant (1), non-coding transcript variant (1).
Genome position (GRCh38, 1-based): chr2:166,073,386, T>G on the plus strand (A>C on the coding strand, the complement: SCN1A is on the minus strand). VCF-style: chr2-166073386-T-G. GRCh37 (hg19) VCF-style: chr2-166929896-T-G.
Other names: c.236A>C, p.Asp79Ala (NM_001165964.3, NM_001202435.3, NM_001353948.2 and 10 more transcripts); c.-2190A>C (NM_001353961.2); short protein forms D79A.
Identifiers: ClinVar variation 3634069 (VCV003634069.2).